The following is an entry in ClinVar:

ClinVar aggregate classification (germline): Likely benign (0 of 4 stars; one submission).

Conditions:
UNC45B-related disorder. Also called: UNC45B-related condition.

Allele frequency attached by ClinVar (database versions not stated): gnomAD exomes 0.00004; gnomAD 0.00007; TOPMed 0.00011; 1000 Genomes Project 30x 0.00016; ExAC 0.00019; 1000 Genomes Project 0.00020.

Submission:

PreventionGenetics, part of Exact Sciences
Classification: Likely benign for UNC45B-related condition. Last evaluated: 2022-02-17. Review status: no assertion criteria provided. Collection method: clinical testing. Allele origin: germline.
Comment: This variant is classified as likely benign based on ACMG/AMP sequence variant interpretation guidelines (Richards et al. 2015 PMID: 25741868, with internal and published modifications).

NM_001267052.2(UNC45B):c.226G>A (p.Asp76Asn)

Gene: UNC45B (unc-45 myosin chaperone B; plus strand). Cytogenetic location: 17q12.
Variant type: single nucleotide variant.
Coding change: c.226G>A on transcript NM_001267052.2 (MANE Select); coding-DNA position 226, G replaced by A.
Protein change: p.Asp76Asn; replaces aspartic acid 76 with asparagine.
Molecular consequence: missense variant.
Genome position (GRCh38, 1-based): chr17:35,150,068, G>A. VCF-style: chr17-35150068-G-A. GRCh37 (hg19) VCF-style: chr17-33477087-G-A.
Other names: c.226G>A, p.Asp76Asn (NM_001033576.2, NM_001308281.1, NM_173167.3); short protein forms D76N.
Identifiers: ClinVar variation 3040504 (VCV003040504.2), dbSNP rs187578844, ClinGen allele CA8500734.